The following is an entry in ClinVar:

NM_001256071.3(RNF213):c.13399A>G (p.Asn4467Asp)

Genes: RNF213 (ring finger protein 213; plus strand), RNF213-AS1 (RNF213 antisense RNA 1; minus strand). Cytogenetic location: 17q25.3.
Variant type: single nucleotide variant.
Coding change: c.13399A>G on transcript NM_001256071.3 (MANE Select); coding-DNA position 13399, A replaced by G.
Protein change: p.Asn4467Asp; replaces asparagine 4467 with aspartic acid.
Molecular consequence: missense variant.
Genome position (GRCh38, 1-based): chr17:80,376,514, A>G. VCF-style: chr17-80376514-A-G. GRCh37 (hg19) VCF-style: chr17-78350314-A-G.
Other names: c.13546A>G, p.Asn4516Asp (NM_001410195.1, NM_020914.5); short protein forms N4467D, N4516D.
Identifiers: ClinVar variation 4532589 (VCV004532589.1).

ClinVar aggregate classification (germline): Uncertain significance (1 of 4 stars; one submission).

gnomAD v4.1: 2 of 1,614,114 alleles (0.00012%); highest among the groups gnomAD compares: East Asian, 0.0022%; no homozygotes.

Submission:

GeneDx
Classification: Uncertain significance. Last evaluated: 2025-05-25. Review status: criteria provided, single submitter. Criteria: GeneDx Variant Classification Process June 2021. Collection method: clinical testing. Allele origin: germline. Affected: yes.
Comment: Not observed at significant frequency in large population cohorts (gnomAD); In silico analysis supports that this missense variant has a deleterious effect on protein structure/function; Has not been previously published as pathogenic or benign to our knowledge